The following is an entry in ClinVar:

ClinVar aggregate classification (germline): Uncertain significance (1 of 4 stars; one submission).

Allele frequency attached by ClinVar (database versions not stated): gnomAD exomes below 0.00001; TOPMed below 0.00001.
gnomAD v4.1: 3 of 1,613,712 alleles (0.00019%); highest among the groups gnomAD compares: African/African-American, 0.0027%; no homozygotes.

Submission:

Labcorp Genetics (formerly Invitae), Labcorp
Classification: Uncertain significance. Last evaluated: 2023-08-04. Review status: criteria provided, single submitter. Criteria: Invitae Variant Classification Sherloc (09022015). Collection method: clinical testing. Allele origin: germline.
Comment: This variant has not been reported in the literature in individuals affected with C6-related conditions. This sequence change replaces histidine, which is basic and polar, with tyrosine, which is neutral and polar, at codon 429 of the C6 protein (p.His429Tyr). This variant is not present in population databases (gnomAD no frequency). ClinVar contains an entry for this variant (Variation ID: 1407830). Algorithms developed to predict the effect of missense changes on protein structure and function output the following: SIFT: "Not Available"; PolyPhen-2: "Benign"; Align-GVGD: "Not Available". The tyrosine amino acid residue is found in multiple mammalian species, which suggests that this missense change does not adversely affect protein function. In summary, the available evidence is currently insufficient to determine the role of this variant in disease. Therefore, it has been classified as a Variant of Uncertain Significance.

NM_000065.5(C6):c.1285C>T (p.His429Tyr)

Gene: C6 (complement C6; minus strand). Cytogenetic location: 5p13.1.
Variant type: single nucleotide variant.
Coding change: c.1285C>T on transcript NM_000065.5 (MANE Select); coding-DNA position 1285, C replaced by T.
Protein change: p.His429Tyr; replaces histidine 429 with tyrosine.
Molecular consequence: missense variant.
Genome position (GRCh38, 1-based): chr5:41,172,231, G>A on the plus strand (C>T on the coding strand, the complement: C6 is on the minus strand). VCF-style: chr5-41172231-G-A. GRCh37 (hg19) VCF-style: chr5-41172333-G-A.
Other names: c.1285C>T, p.His429Tyr (NM_001115131.4); short protein forms H429Y.
Identifiers: ClinVar variation 1407830 (VCV001407830.6), dbSNP rs1469589426, ClinGen allele CA359598781.
Genomic context (GRCh38, chr5:41,172,231, plus strand): 5'-TGACAGCCAGGCTCAGGGCACACTGGATAAGCTGCTAAGAGAGAGTACTGTTACCTTCAT[G>A]TTTCTCTGACAGCTTGTTGGTGGTGCACCTATGTTCCACTTTTGTTTTCTTAGCAAATAA-3'
Protein context (NP_000056.2, residues 419-439): RCTTNKLSEK[His429Tyr]EGSFIQGAEK